The following is an entry in ClinVar:

ClinVar aggregate classification (germline): Likely benign (0 of 4 stars; one submission).

Conditions:
KMT2D-related disorder. Also called: KMT2D-Related Disorders.

Submission:

PreventionGenetics, part of Exact Sciences
Classification: Likely benign for KMT2D-related condition. Last evaluated: 2023-10-21. Review status: no assertion criteria provided. Collection method: clinical testing. Allele origin: germline.
Comment: This variant is classified as likely benign based on ACMG/AMP sequence variant interpretation guidelines (Richards et al. 2015 PMID: 25741868, with internal and published modifications).

NM_003482.4(KMT2D):c.9804A>C (p.Ala3268=)

Gene: KMT2D (lysine methyltransferase 2D; minus strand). Cytogenetic location: 12q13.12.
Variant type: single nucleotide variant.
Coding change: c.9804A>C on transcript NM_003482.4 (MANE Select); coding-DNA position 9804, A replaced by C.
Protein change: p.Ala3268=; no amino-acid change (alanine 3268 retained).
Molecular consequence: synonymous variant.
Genome position (GRCh38, 1-based): chr12:49,037,552, T>G on the plus strand (A>C on the coding strand, the complement: KMT2D is on the minus strand). VCF-style: chr12-49037552-T-G. GRCh37 (hg19) VCF-style: chr12-49431335-T-G.
Identifiers: ClinVar variation 3054539 (VCV003054539.2), dbSNP rs2120481583, ClinGen allele CA479709748.